The following is an entry in ClinVar:

NM_004075.5(CRY1):c.766C>T (p.Arg256Ter)

Gene: CRY1 (cryptochrome circadian regulator 1; minus strand). Cytogenetic location: 12q23.3.
Variant type: single nucleotide variant.
Coding change: c.766C>T on transcript NM_004075.5 (MANE Select); coding-DNA position 766, C replaced by T.
Protein change: p.Arg256Ter; replaces arginine 256 with a stop codon.
Molecular consequence: nonsense. On other transcripts: non-coding transcript variant (2).
Genome position (GRCh38, 1-based): chr12:107,000,001, G>A on the plus strand (C>T on the coding strand, the complement: CRY1 is on the minus strand). VCF-style: chr12-107000001-G-A. GRCh37 (hg19) VCF-style: chr12-107393779-G-A.
Other names: c.766C>T, p.Arg256Ter (NM_001413458.1, NM_001413459.1, NM_001413460.1 and 2 more transcripts); c.760C>T, p.Arg254Ter (NM_001413463.1); c.682C>T, p.Arg228Ter (NM_001413464.1, NM_001413465.1); c.379C>T, p.Arg127Ter (NM_001413466.1); c.289C>T, p.Arg97Ter (NM_001413467.1, NM_001413468.1, NM_001413469.1 and 1 more transcripts); short protein forms R127*, R228*, R254*, R256*, R97*.
Identifiers: ClinVar variation 2635016 (VCV002635016.1), dbSNP rs767156491, ClinGen allele CA6764199.
Genomic context (GRCh38, chr12:107,000,001, plus strand): 5'-CCTTTTTGTAGAGATCTGTTAGTTTGAAGTAAAACAGTCGACATGACAAACAACCAAATC[G>A]GAGATAAGGACTAAGTCCAGTAGGGCTTGCAAGCAGAGAATTCGCATTCATTCGAGGTCT-3'

ClinVar aggregate classification (germline): Uncertain significance (1 of 4 stars; one submission).

Conditions:
CRY1-related disorder. Also called: CRY1-related condition.

Allele frequency attached by ClinVar (database versions not stated): ExAC 0.00001; gnomAD 0.00001; gnomAD exomes 0.00001.
gnomAD v4.1: 15 of 1,612,808 alleles (0.00093%); highest among the groups gnomAD compares: East Asian, 0.0022%; no homozygotes.

Submission:

PreventionGenetics, part of Exact Sciences
Classification: Uncertain significance for CRY1-related condition. Last evaluated: 2022-11-02. Review status: criteria provided, single submitter. Criteria: ACMG Guidelines, 2015. Collection method: clinical testing. Allele origin: germline.
Comment: The CRY1 c.766C>T variant is predicted to result in premature protein termination (p.Arg256*). To our knowledge, this variant has not been reported in the literature. This variant is reported in 0.0033% of alleles in individuals of South Asian descent in gnomAD. Loss of function has not been established as a mechanism of CRY1-related disease. At this time, the clinical significance of this variant is uncertain due to the absence of conclusive functional and genetic evidence.